The following is an entry in ClinVar:

ClinVar aggregate classification (germline): Uncertain significance (1 of 4 stars; one submission).

Conditions:
Short-rib thoracic dysplasia 6 with or without polydactyly (SRTD6). Also called: SHORT RIB-POLYDACTYLY SYNDROME, TYPE IIA; SHORT-RIB THORACIC DYSPLASIA 6 WITH POLYDACTYLY; SHORT-RIB THORACIC DYSPLASIA 6 WITHOUT POLYDACTYLY; Majewski Syndrome; POLYDACTYLY WITH NEONATAL CHONDRODYSTROPHY, TYPE II. Identifiers: MedGen C0024507, MONDO:0009894, OMIM 263520.

Allele frequency attached by ClinVar (database versions not stated): TOPMed below 0.00001; gnomAD exomes 0.00001; ExAC 0.00002.
gnomAD v4.1: 18 of 1,613,274 alleles (0.0011%); highest among the groups gnomAD compares: Non-Finnish European, 0.0015%; no homozygotes.

Submission:

Labcorp Genetics (formerly Invitae), Labcorp
Classification: Uncertain significance for Short-rib thoracic dysplasia 6 with or without polydactyly. Last evaluated: 2018-04-05. Review status: criteria provided, single submitter. Criteria: Invitae Variant Classification Sherloc (09022015). Collection method: clinical testing. Allele origin: germline.
Comment: In summary, the available evidence is currently insufficient to determine the role of this variant in disease. Therefore, it has been classified as a Variant of Uncertain Significance. Algorithms developed to predict the effect of missense changes on protein structure and function (SIFT, PolyPhen-2, Align-GVGD) all suggest that this variant is likely to be disruptive, but these predictions have not been confirmed by published functional studies and their clinical significance is uncertain. This variant has not been reported in the literature in individuals with NEK1-related disease. This variant is present in population databases (rs754999219, ExAC 0.003%). This sequence change replaces asparagine with lysine at codon 402 of the NEK1 protein (p.Asn402Lys). The asparagine residue is highly conserved and there is a moderate physicochemical difference between asparagine and lysine.

NM_001199397.3(NEK1):c.1206T>G (p.Asn402Lys)

Gene: NEK1 (NIMA related kinase 1; minus strand). Cytogenetic location: 4q33.
Variant type: single nucleotide variant.
Coding change: c.1206T>G on transcript NM_001199397.3 (MANE Select); coding-DNA position 1206, T replaced by G.
Protein change: p.Asn402Lys; replaces asparagine 402 with lysine.
Molecular consequence: missense variant. On other transcripts: non-coding transcript variant (2), intron variant (2).
Genome position (GRCh38, 1-based): chr4:169,561,540, A>C on the plus strand (T>G on the coding strand, the complement: NEK1 is on the minus strand). VCF-style: chr4-169561540-A-C. GRCh37 (hg19) VCF-style: chr4-170482691-A-C.
Other names: c.1206T>G, p.Asn402Lys (NM_001199398.3, NM_001199400.3, NM_001374418.1 and 4 more transcripts); c.1155T>G, p.Asn385Lys (NM_001374420.1); c.1140+292T>G (NM_001374421.1); c.1191+147T>G (NM_001199399.3); short protein forms N402K, N385K.
Identifiers: ClinVar variation 568827 (VCV000568827.8), dbSNP rs754999219, ClinGen allele CA3137799.